The following is an entry in ClinVar:

NM_001009944.3(PKD1):c.7406G>A (p.Arg2469His)

Gene: PKD1 (polycystin 1, transient receptor potential channel interacting; minus strand). Cytogenetic location: 16p13.3.
Variant type: single nucleotide variant.
Coding change: c.7406G>A on transcript NM_001009944.3 (MANE Select); coding-DNA position 7406, G replaced by A.
Protein change: p.Arg2469His; replaces arginine 2469 with histidine.
Molecular consequence: missense variant.
Genome position (GRCh38, 1-based): chr16:2,106,481, C>T on the plus strand (G>A on the coding strand, the complement: PKD1 is on the minus strand). VCF-style: chr16-2106481-C-T. GRCh37 (hg19) VCF-style: chr16-2156482-C-T.
Other names: c.7406G>A, p.Arg2469His (NM_000296.4); short protein forms R2469H.
Identifiers: ClinVar variation 3213507 (VCV003213507.2), dbSNP rs770918119, ClinGen allele CA7831146.
Genomic context (GRCh38, chr16:2,106,481, plus strand): 5'-GTGGTGAGGGCGTGCACAGCGCCCAGTGGGAAGAGGCGGCAAGAGCCCCCCAGCGGCGGG[C>T]GGTTGGGGGACAGGCGGATGGAGGCGCAGCCCTCCTCCTCGCCAGAGCGGCCCAGCACCG-3'
Protein context (NP_001009944.3, residues 2459-2479): GCASIRLSPN[Arg2469His]PPLGGSCRLF

ClinVar aggregate classification (germline): Uncertain significance. Review status: criteria provided, multiple submitters, no conflicts (2 of 4 stars). 2 submissions from 2 submitters: Uncertain significance (2). Last evaluated 2026-03-28.

Conditions:
PKD1-related disorder. Also called: PKD1-related condition.
Inborn genetic diseases. Identifiers: MedGen C0950123, MeSH D030342.

Allele frequency attached by ClinVar (database versions not stated): gnomAD exomes 0.00003; TOPMed 0.00005; ExAC 0.00007.
gnomAD v4.1: 60 of 1,591,526 alleles (0.0038%); highest among the groups gnomAD compares: East Asian, 0.018%; no homozygotes.

Submissions (2):

PreventionGenetics, part of Exact Sciences
Classification: Uncertain significance for PKD1-related condition. Last evaluated: 2026-03-28. Review status: criteria provided, single submitter. Criteria: ACMG Guidelines, 2015. Collection method: clinical testing. Allele origin: germline.
Comment: The PKD1 c.7406G>A variant is predicted to result in the amino acid substitution p.Arg2469His. To our knowledge, this variant has not been reported in the literature. This variant is reported in 0.039% of alleles in individuals of East Asian descent in gnomAD. Although we suspect that this variant may be benign, at this time, the clinical significance of this variant is uncertain due to the absence of conclusive functional and genetic evidence.

Ambry Genetics
Classification: Uncertain significance for Inborn genetic diseases. Last evaluated: 2024-02-17. Review status: criteria provided, single submitter. Criteria: Ambry Variant Classification Scheme 2023. Collection method: clinical testing. Allele origin: germline.